The following is an entry in ClinVar:

NM_006904.7(PRKDC):c.8627T>C (p.Val2876Ala)

Genes: PRKDC (protein kinase, DNA-activated, catalytic subunit; minus strand), LOC121740717 (Sharpr-MPRA regulatory region 7649; plus strand). Cytogenetic location: 8q11.21.
Variant type: single nucleotide variant.
Coding change: c.8627T>C on transcript NM_006904.7 (MANE Select); coding-DNA position 8627, T replaced by C.
Protein change: p.Val2876Ala; replaces valine 2876 with alanine.
Molecular consequence: missense variant.
Genome position (GRCh38, 1-based): chr8:47,826,812, A>G on the plus strand (T>C on the coding strand, the complement: PRKDC is on the minus strand). VCF-style: chr8-47826812-A-G. GRCh37 (hg19) VCF-style: chr8-48739373-A-G.
Other names: c.8627T>C, p.Val2876Ala (NM_001081640.2); short protein forms V2876A.
Identifiers: ClinVar variation 1764083 (VCV001764083.2), dbSNP rs1589724339, ClinGen allele CA371144054.

ClinVar aggregate classification (germline): Uncertain significance (1 of 4 stars; one submission).

Submission:

Ambry Genetics
Classification: Uncertain significance. Last evaluated: 2022-03-01. Review status: criteria provided, single submitter. Criteria: Ambry Variant Classification Scheme 2023. Collection method: clinical testing. Allele origin: germline.
Comment: The p.V2876A variant (also known as c.8627T>C), located in coding exon 63 of the PRKDC gene, results from a T to C substitution at nucleotide position 8627. The valine at codon 2876 is replaced by alanine, an amino acid with similar properties. This amino acid position is conserved. Since supporting evidence is limited at this time, the clinical significance of this alteration remains unclear.